The following is an entry in ClinVar:

NM_001261826.3(AP3D1):c.3458A>G (p.His1153Arg)

Gene: AP3D1 (adaptor related protein complex 3 subunit delta 1; minus strand). Cytogenetic location: 19p13.3.
Variant type: single nucleotide variant.
Coding change: c.3458A>G on transcript NM_001261826.3 (MANE Select); coding-DNA position 3458, A replaced by G.
Protein change: p.His1153Arg; replaces histidine 1153 with arginine.
Molecular consequence: missense variant.
Genome position (GRCh38, 1-based): chr19:2,109,100, T>C on the plus strand (A>G on the coding strand, the complement: AP3D1 is on the minus strand). VCF-style: chr19-2109100-T-C. GRCh37 (hg19) VCF-style: chr19-2109099-T-C.
Other names: c.3422A>G, p.His1141Arg (NM_001374799.1); c.3272A>G, p.His1091Arg (NM_003938.8); short protein forms H1153R, H1091R, H1141R.
Identifiers: ClinVar variation 4700976 (VCV004700976.1).

ClinVar aggregate classification (germline): Uncertain significance (1 of 4 stars; one submission).

gnomAD v4.1: 1 of 1,607,920 alleles (0.000062%); highest among the groups gnomAD compares: African/African-American, 0.0013%; no homozygotes.

Submission:

Labcorp Genetics (formerly Invitae), Labcorp
Classification: Uncertain significance. Last evaluated: 2025-02-19. Review status: criteria provided, single submitter. Criteria: Invitae Variant Classification Sherloc (09022015). Collection method: clinical testing. Allele origin: germline.
Comment: This sequence change replaces histidine, which is basic and polar, with arginine, which is basic and polar, at codon 1153 of the AP3D1 protein (p.His1153Arg). This variant is not present in population databases (gnomAD no frequency). This variant has not been reported in the literature in individuals affected with AP3D1-related conditions. An algorithm developed to predict the effect of missense changes on protein structure and function (PolyPhen-2) suggests that this variant is likely to be tolerated. In summary, the available evidence is currently insufficient to determine the role of this variant in disease. Therefore, it has been classified as a Variant of Uncertain Significance.